The following is an entry in ClinVar:

NM_000179.3(MSH6):c.2512C>G (p.Pro838Ala)

Gene: MSH6 (mutS homolog 6; plus strand). Cytogenetic location: 2p16.3.
Variant type: single nucleotide variant.
Coding change: c.2512C>G on transcript NM_000179.3 (MANE Select); coding-DNA position 2512, C replaced by G.
Protein change: p.Pro838Ala; replaces proline 838 with alanine.
Molecular consequence: missense variant. On other transcripts: non-coding transcript variant (5), intron variant (3).
Genome position (GRCh38, 1-based): chr2:47,800,495, C>G. VCF-style: chr2-47800495-C-G. GRCh37 (hg19) VCF-style: chr2-48027634-C-G.
Other names: c.2215C>G, p.Pro739Ala (NM_001406818.1, NM_001406819.1, NM_001406797.1 and 10 more transcripts); c.2122C>G, p.Pro708Ala (NM_001281492.2); c.1606C>G, p.Pro536Ala (NM_001281493.2, NM_001281494.2, NM_001406811.1 and 6 more transcripts); c.2608C>G, p.Pro870Ala (NM_001406795.1, NM_001406802.1); c.2512C>G, p.Pro838Ala (NM_001406796.1, NM_001406798.1, NM_001406800.1 and 2 more transcripts); c.1987C>G, p.Pro663Ala (NM_001406799.1, NM_001406806.1, NM_001406807.1); c.2434C>G, p.Pro812Ala (NM_001406804.1); c.2518C>G, p.Pro840Ala (NM_001406813.1); and 4 more; short protein forms P663A, P838A, P536A, P708A, P739A, P782A, P812A, P840A.
Identifiers: ClinVar variation 2844376 (VCV002844376.3), dbSNP rs1669472458, ClinGen allele CA346754309.

ClinVar aggregate classification (germline): Uncertain significance (1 of 4 stars; one submission).

Conditions:
Hereditary nonpolyposis colorectal neoplasms. Identifiers: MedGen C0009405, MeSH D003123.

Submission:

Labcorp Genetics (formerly Invitae), Labcorp
Classification: Uncertain significance for Hereditary nonpolyposis colorectal neoplasms. Last evaluated: 2023-06-16. Review status: criteria provided, single submitter. Criteria: Invitae Variant Classification Sherloc (09022015). Collection method: clinical testing. Allele origin: germline.
Comment: Advanced modeling of protein sequence and biophysical properties (such as structural, functional, and spatial information, amino acid conservation, physicochemical variation, residue mobility, and thermodynamic stability) performed at Invitae indicates that this missense variant is not expected to disrupt MSH6 protein function. In summary, the available evidence is currently insufficient to determine the role of this variant in disease. Therefore, it has been classified as a Variant of Uncertain Significance. This variant has not been reported in the literature in individuals affected with MSH6-related conditions. This variant is not present in population databases (gnomAD no frequency). This sequence change replaces proline, which is neutral and non-polar, with alanine, which is neutral and non-polar, at codon 838 of the MSH6 protein (p.Pro838Ala).